The following is an entry in ClinVar:

ClinVar aggregate classification (germline): Conflicting classifications of pathogenicity. Review status: criteria provided, conflicting classifications (1 of 4 stars). 5 submissions from 5 submitters: Uncertain significance (4); Likely benign (1). Last evaluated 2026-03-27.

Conditions:
Hereditary cancer-predisposing syndrome. Also called: Tumor predisposition; Neoplastic Syndromes, Hereditary; Hereditary Cancer Syndrome; Hereditary neoplastic syndrome. Identifiers: Orphanet 140162, MedGen C0027672, MeSH D009386, MONDO:0015356.
Hereditary breast ovarian cancer syndrome. Also called: Hereditary breast and ovarian cancer; Hereditary breast and/or ovarian cancer syndrome; Hereditary breast and ovarian cancer syndrome (HBOC); Hereditary breast and ovarian cancer syndrome; Breast and ovarian cancer; BRCA1- and BRCA2-Associated Hereditary Breast and Ovarian Cancer. Identifiers: Orphanet 145, MedGen C0677776, MeSH D061325, MONDO:0003582. Disease mechanism: loss of function.

Submissions (5):

Women's Health and Genetics/Laboratory Corporation of America, LabCorp
Classification: Uncertain significance. Last evaluated: 2026-03-27. Review status: criteria provided, single submitter. Criteria: LabCorp Variant Classification Summary - May 2015. Collection method: clinical testing. Allele origin: germline.

Labcorp Genetics (formerly Invitae), Labcorp
Classification: Uncertain significance for Hereditary breast ovarian cancer syndrome. Last evaluated: 2024-02-06. Review status: criteria provided, single submitter. Criteria: Invitae Variant Classification Sherloc (09022015). Collection method: clinical testing. Allele origin: germline.
Comment: This sequence change replaces serine, which is neutral and polar, with tyrosine, which is neutral and polar, at codon 1147 of the BRCA1 protein (p.Ser1147Tyr). This variant is not present in population databases (gnomAD no frequency). This variant has not been reported in the literature in individuals affected with BRCA1-related conditions. ClinVar contains an entry for this variant (Variation ID: 233955). Advanced modeling of protein sequence and biophysical properties (such as structural, functional, and spatial information, amino acid conservation, physicochemical variation, residue mobility, and thermodynamic stability) performed at Invitae indicates that this missense variant is not expected to disrupt BRCA1 protein function with a negative predictive value of 95%. In summary, the available evidence is currently insufficient to determine the role of this variant in disease. Therefore, it has been classified as a Variant of Uncertain Significance.

University of Washington Department of Laboratory Medicine, University of Washington
Classification: Likely benign for Hereditary cancer-predisposing syndrome. Last evaluated: 2023-03-23. Review status: criteria provided, single submitter. Criteria: Dines et al. (Genet Med. 2020). Collection method: curation. Allele origin: germline.
Comment: Missense variant in a coldspot region where missense variants are very unlikely to be pathogenic (PMID:31911673).

BRCA1 coldspot (exon 11 using historical exon numbering). Reclassification based on statistical prior probability

Color Diagnostics, LLC DBA Color Health
Classification: Uncertain significance for Hereditary cancer-predisposing syndrome. Last evaluated: 2019-05-22. Review status: criteria provided, single submitter. Criteria: ACMG Guidelines, 2015. Collection method: clinical testing. Allele origin: germline.

Ambry Genetics
Classification: Uncertain significance for Hereditary cancer-predisposing syndrome. Last evaluated: 2015-09-21. Review status: criteria provided, single submitter. Criteria: Ambry Variant Classification Scheme 2023. Collection method: clinical testing. Allele origin: germline.
Comment: The p.S1147Y variant (also known as c.3440C>A), located in coding exon 9 of the BRCA1 gene, results from a C to A substitution at nucleotide position 3440. The serine at codon 1147 is replaced by tyrosine, an amino acid with dissimilar properties. This variant was not reported in population based cohorts in the following databases: Database of Single Nucleotide Polymorphisms (dbSNP), NHLBI Exome Sequencing Project (ESP), and 1000 Genomes Project. In the ESP, this variant was not observed in 6503 samples (13006 alleles) with coverage at this position. To date, this alteration has been detected with an allele frequency of approximately 0.001% (greater than 150000 alleles tested) in our clinical cohort. This amino acid position is highly conserved in available vertebrate species. In addition, this alteration is predicted to be deleterious by in silico analysis. Since supporting evidence is limited at this time, the clinical significance of p.S1147Y remains unclear.

NM_007294.4(BRCA1):c.3440C>A (p.Ser1147Tyr)

Genes: BRCA1 (BRCA1 DNA repair associated; minus strand), LOC126862571 (BRD4-independent group 4 enhancer GRCh37_chr17:41243136-41244335; plus strand). Cytogenetic location: 17q21.31.
Variant type: single nucleotide variant.
Coding change: c.3440C>A on transcript NM_007294.4 (MANE Select); coding-DNA position 3440, C replaced by A.
Protein change: p.Ser1147Tyr; replaces serine 1147 with tyrosine.
Molecular consequence: missense variant. On other transcripts: intron variant (135).
Genome position (GRCh38, 1-based): chr17:43,092,091, G>T on the plus strand (C>A on the coding strand, the complement: BRCA1 is on the minus strand). VCF-style: chr17-43092091-G-T. GRCh37 (hg19) VCF-style: chr17-41244108-G-T.
Other names: c.3227C>A, p.Ser1076Tyr (NM_001407571.1, NM_001407853.1, NM_001407894.1 and 9 more transcripts); c.3440C>A, p.Ser1147Tyr (NM_001407581.1, NM_001407582.1, NM_001407583.1 and 30 more transcripts); c.3437C>A, p.Ser1146Tyr (NM_001407587.1, NM_001407590.1, NM_001407591.1 and 22 more transcripts); c.3431C>A, p.Ser1144Tyr (NM_001407646.1, NM_001407647.1); c.3317C>A, p.Ser1106Tyr (NM_001407648.1, NM_001407664.1, NM_001407665.1 and 19 more transcripts); c.3314C>A, p.Ser1105Tyr (NM_001407649.1, NM_001407670.1, NM_001407671.1 and 11 more transcripts); c.3362C>A, p.Ser1121Tyr (NM_001407653.1, NM_001407654.1, NM_001407655.1 and 4 more transcripts); c.3359C>A, p.Ser1120Tyr (NM_001407659.1, NM_001407660.1, NM_001407661.1 and 1 more transcripts); and 41 more; short protein forms S1147Y, S1100Y, S1059Y, S1076Y, S1077Y, S1144Y, S1020Y, S1036Y.
Identifiers: ClinVar variation 233955 (VCV000233955.20), dbSNP rs876660757, ClinGen allele CA10580562.